The following is an entry in ClinVar:

ClinVar aggregate classification (germline): Uncertain significance (1 of 4 stars; one submission).

Allele frequency attached by ClinVar (database versions not stated): gnomAD exomes 0.00001.
gnomAD v4.1: 4 of 1,614,254 alleles (0.00025%); highest among the groups gnomAD compares: South Asian, 0.0044%; no homozygotes.

Submission:

Labcorp Genetics (formerly Invitae), Labcorp
Classification: Uncertain significance. Last evaluated: 2022-10-17. Review status: criteria provided, single submitter. Criteria: Invitae Variant Classification Sherloc (09022015). Collection method: clinical testing. Allele origin: germline.
Comment: This variant has not been reported in the literature in individuals affected with ELOVL4-related conditions. Algorithms developed to predict the effect of missense changes on protein structure and function (SIFT, PolyPhen-2, Align-GVGD) all suggest that this variant is likely to be tolerated. In summary, the available evidence is currently insufficient to determine the role of this variant in disease. Therefore, it has been classified as a Variant of Uncertain Significance. This variant is present in population databases (no rsID available, gnomAD 0.006%). This sequence change replaces glutamic acid, which is acidic and polar, with glycine, which is neutral and non-polar, at codon 295 of the ELOVL4 protein (p.Glu295Gly).

NM_022726.4(ELOVL4):c.884A>G (p.Glu295Gly)

Gene: ELOVL4 (ELOVL fatty acid elongase 4; minus strand). Cytogenetic location: 6q14.1.
Variant type: single nucleotide variant.
Coding change: c.884A>G on transcript NM_022726.4 (MANE Select); coding-DNA position 884, A replaced by G.
Protein change: p.Glu295Gly; replaces glutamic acid 295 with glycine.
Molecular consequence: missense variant.
Genome position (GRCh38, 1-based): chr6:79,916,669, T>C on the plus strand (A>G on the coding strand, the complement: ELOVL4 is on the minus strand). VCF-style: chr6-79916669-T-C. GRCh37 (hg19) VCF-style: chr6-80626386-T-C.
Other names: short protein forms E295G.
Identifiers: ClinVar variation 1721750 (VCV001721750.5), dbSNP rs1338050487, ClinGen allele CA364655637.